The following is an entry in ClinVar:

ClinVar aggregate classification (germline): Uncertain significance (1 of 4 stars; one submission).

gnomAD v4.1: 2 of 1,589,576 alleles (0.00013%); highest among the groups gnomAD compares: African/African-American, 0.0014%; no homozygotes.

Submission:

GeneDx
Classification: Uncertain significance. Last evaluated: 2024-08-26. Review status: criteria provided, single submitter. Criteria: GeneDx Variant Classification Process June 2021. Collection method: clinical testing. Allele origin: germline. Affected: yes.
Comment: Not observed at significant frequency in large population cohorts (gnomAD); Missense variant in a gene in which most reported pathogenic variants are truncating/loss of function; Has not been previously published as pathogenic or benign to our knowledge

NM_001267550.2(TTN):c.18890A>G (p.Lys6297Arg)

Genes: TTN (titin; minus strand), LOC126806430 (BRD4-independent group 4 enhancer GRCh37_chr2:179593794-179594993; plus strand). Cytogenetic location: 2q31.2.
Variant type: single nucleotide variant.
Coding change: c.18890A>G on transcript NM_001267550.2 (MANE Select); coding-DNA position 18890, A replaced by G.
Protein change: p.Lys6297Arg; replaces lysine 6297 with arginine.
Molecular consequence: missense variant. On other transcripts: intron variant (3).
Genome position (GRCh38, 1-based): chr2:178,729,148, T>C on the plus strand (A>G on the coding strand, the complement: TTN is on the minus strand). VCF-style: chr2-178729148-T-C. GRCh37 (hg19) VCF-style: chr2-179593875-T-C.
Other names: c.17939A>G, p.Lys5980Arg (NM_001256850.1); c.15158A>G, p.Lys5053Arg (NM_133378.4); c.13282+8934A>G (NM_003319.4); c.13858+8934A>G (NM_133437.4); c.13657+8934A>G (NM_133432.3); short protein forms K5053R, K5980R, K6297R.
Identifiers: ClinVar variation 3766284 (VCV003766284.1).